The following is an entry in ClinVar:

NM_020922.5(WNK3):c.2298CAA[2] (p.Asn768del)

Gene: WNK3 (WNK lysine deficient protein kinase 3; minus strand). Cytogenetic location: Xp11.22.
Variant type: Microsatellite.
Coding change: c.2298CAA[2] on transcript NM_020922.5 (MANE Select); two copies in a row of the 3-base unit CAA starting at c.2298; the reference has three copies in a row; one copy, 3 bases deleted; also written c.2304_2306del.
Protein change: p.Asn768del; deletes asparagine 768.
Molecular consequence: frameshift variant (on NM_020922.4).
Genome position (GRCh38, 1-based): chrX:54,254,020-54,254,022, TTG deleted on the plus strand (CAA on the coding strand, the reverse complement: WNK3 is on the minus strand); deleting any 3 consecutive bases within chrX:54,254,020-54,254,029 gives the same sequence; the position shown is the placement nearest the transcript's 3' end. VCF-style (leftmost placement, unchanged base first): chrX-54254019-CTTG-C. GRCh37 (hg19) VCF-style: chrX-54280452-CTTG-C.
Other names: c.2298CAA[2], p.Asn768del (NM_001002838.4, NM_001395166.1); c.2293_2295ACA[2], p.His766Thrfs (NM_020922.4); c.2304_2306del (NM_020922.4); short protein forms N768del.
Identifiers: ClinVar variation 3363414 (VCV003363414.1).

ClinVar aggregate classification (germline): Uncertain significance (1 of 4 stars; one submission).

Submission:

GeneDx
Classification: Uncertain significance. Last evaluated: 2023-10-23. Review status: criteria provided, single submitter. Criteria: GeneDx Variant Classification Process June 2021. Collection method: clinical testing. Allele origin: germline. Affected: yes.
Comment: Not observed at significant frequency in large population cohorts (gnomAD); In-frame deletion of 1 amino acids in a non-repeat region; In silico analysis supports that this variant does not alter protein structure/function; Has not been previously published as pathogenic or benign to our knowledge